The following is an entry in ClinVar:

NM_023110.3(FGFR1):c.2153G>A (p.Arg718His)

Gene: FGFR1 (fibroblast growth factor receptor 1; minus strand). Cytogenetic location: 8p11.23.
Variant type: single nucleotide variant.
Coding change: c.2153G>A on transcript NM_023110.3 (MANE Select); coding-DNA position 2153, G replaced by A.
Protein change: p.Arg718His; replaces arginine 718 with histidine.
Molecular consequence: missense variant.
Genome position (GRCh38, 1-based): chr8:38,414,185, C>T on the plus strand (G>A on the coding strand, the complement: FGFR1 is on the minus strand). VCF-style: chr8-38414185-C-T. GRCh37 (hg19) VCF-style: chr8-38271703-C-T.
Other names: c.2147G>A, p.Arg716His (NM_001174063.2, NM_001174065.2, NM_001354367.2 and 1 more transcripts); c.2123G>A, p.Arg708His (NM_001174064.2); c.1886G>A, p.Arg629His (NM_001174066.2, NM_023105.3); c.2246G>A, p.Arg749His (NM_001174067.2); c.1874G>A, p.Arg625His (NM_001354368.2); c.2141G>A, p.Arg714His (NM_001354369.2); c.1880G>A, p.Arg627His (NM_001354370.2, NM_023106.3); short protein forms R625H, R627H, R629H, R708H, R714H, R716H, R718H, R749H.
Identifiers: ClinVar variation 1303143 (VCV001303143.32), dbSNP rs1415925468, ClinGen allele CA370728515.

ClinVar aggregate classification (germline): Conflicting classifications of pathogenicity. Review status: criteria provided, conflicting classifications (1 of 4 stars). 2 submissions from 2 submitters: Likely pathogenic (1); Uncertain significance (1). Last evaluated 2022-08-01.

Allele frequency attached by ClinVar (database versions not stated): gnomAD exomes below 0.00001.
gnomAD v4.1: 1 of 1,614,174 alleles (0.000062%); highest among the groups gnomAD compares: African/African-American, 0.0013%; no homozygotes.

Submissions (2):

CeGaT Center for Human Genetics Tuebingen
Classification: Likely pathogenic. Last evaluated: 2022-08-01. Review status: criteria provided, single submitter. Criteria: CeGaT Center For Human Genetics Tuebingen Variant Classification Criteria Version 2. Collection method: clinical testing. Allele origin: germline. Affected: yes. Observed: 1 variant allele.
Comment: FGFR1: PM1, PM2, PM5, PP3, PP4

GeneDx
Classification: Uncertain significance. Last evaluated: 2020-06-11. Review status: criteria provided, single submitter. Criteria: GeneDx Variant Classification Process June 2021. Collection method: clinical testing. Allele origin: germline. Affected: yes.
Comment: Not observed at a significant frequency in large population cohorts (Lek et al., 2016); In silico analysis supports that this missense variant has a deleterious effect on protein structure/function; Has not been previously published as pathogenic or benign to our knowledge